The following is an entry in ClinVar:

ClinVar aggregate classification (germline): Uncertain significance (1 of 4 stars; one submission).

Conditions:
Hyperinsulinism-hyperammonemia syndrome (HHF6). Identifiers: Orphanet 35878, MedGen C1847555, MONDO:0011717, OMIM 606762.

gnomAD v4.1: 1 of 1,613,620 alleles (0.000062%); highest among the groups gnomAD compares: African/African-American, 0.0013%; no homozygotes.

Submission:

Dasa
Classification: Uncertain significance for Hyperinsulinism-hyperammonemia syndrome. Last evaluated: 2025-10-16. Review status: criteria provided, single submitter. Criteria: DASA Assertion Criteria. Collection method: clinical testing. Allele origin: germline.
Comment: NM_005271.5(GLUD1):c.282C>G (p.Ser94Arg) is a missense variant that results in the substitution of serine with arginine. This variant is rare in population databases. The currently available literature and clinical evidence are not sufficient to establish a definitive association between this variant and the reported condition. Therefore, this variant is classified as a variant of uncertain significance.

NM_005271.5(GLUD1):c.282C>G (p.Ser94Arg)

Genes: GLUD1 (glutamate dehydrogenase 1; minus strand), SHLD2 (shieldin complex subunit 2; plus strand). Cytogenetic location: 10q23.2.
Variant type: single nucleotide variant.
Coding change: c.282C>G on transcript NM_005271.5 (MANE Select); coding-DNA position 282, C replaced by G.
Protein change: p.Ser94Arg; replaces serine 94 with arginine.
Molecular consequence: missense variant. On other transcripts: 5 prime UTR variant (3).
Genome position (GRCh38, 1-based): chr10:87,094,488, G>C on the plus strand (C>G on the coding strand, the complement: GLUD1 is on the minus strand). VCF-style: chr10-87094488-G-C. GRCh37 (hg19) VCF-style: chr10-88854245-G-C.
Other names: c.-447C>G (NM_001318904.2); c.-573C>G (NM_001318905.2); c.-280C>G (NM_001318906.2); short protein forms S94R.
Identifiers: ClinVar variation 4882559 (VCV004882559.2).
Genomic context (GRCh38, chr10:87,094,488, plus strand): 5'-ATGGTTGCAGGGCTTGATGATCCGCAGGATGCCGCGCACCCGGTTCCGCTTCTGCTCCTC[G>C]CTCTCCCGGGTCCTCAGGTCCTCCACCAGCTTGTCCTCCACGATGCTGGCGCCGCGATCG-3'
Protein context (NP_005262.1, residues 84-104): KLVEDLRTRE[Ser94Arg]EEQKRNRVRG